The following is an entry in ClinVar:

ClinVar aggregate classification (germline): Uncertain significance. Review status: criteria provided, multiple submitters, no conflicts (2 of 4 stars). 2 submissions from 2 submitters: Uncertain significance (2). Last evaluated 2025-01-08.

Conditions:
Inborn genetic diseases. Identifiers: MedGen C0950123, MeSH D030342.
Developmental and epileptic encephalopathy, 14 (DEE14). Also called: Early infantile epileptic encephalopathy 14. Identifiers: Orphanet 293181, MedGen C3554195, MONDO:0013989, OMIM 614959.
Autosomal dominant nocturnal frontal lobe epilepsy 5. Also called: KCNT1-Related Epilepsy; CILIARY DYSKINESIA, PRIMARY, 28, WITH SITUS INVERSUS; Epilepsy, nocturnal frontal lobe, 5; CILIARY DYSKINESIA, PRIMARY, 28, WITHOUT SITUS INVERSUS. Identifiers: Orphanet 98784, MedGen C3554306, MONDO:0014002, OMIM 615005.

Allele frequency attached by ClinVar (database versions not stated): gnomAD exomes 0.00001; ExAC 0.00002; gnomAD 0.00002; TOPMed 0.00003.
gnomAD v4.1: 15 of 1,611,362 alleles (0.00093%); highest among the groups gnomAD compares: African/African-American, 0.0067%; no homozygotes.

Submissions (2):

Ambry Genetics
Classification: Uncertain significance for Inborn genetic diseases. Last evaluated: 2025-01-08. Review status: criteria provided, single submitter. Criteria: Ambry Variant Classification Scheme 2023. Collection method: clinical testing. Allele origin: germline.

Labcorp Genetics (formerly Invitae), Labcorp
Classification: Uncertain significance for Autosomal dominant nocturnal frontal lobe epilepsy 5; Developmental and epileptic encephalopathy, 14. Last evaluated: 2024-09-17. Review status: criteria provided, single submitter. Criteria: Invitae Variant Classification Sherloc (09022015). Collection method: clinical testing. Allele origin: germline.
Comment: This sequence change replaces valine, which is neutral and non-polar, with isoleucine, which is neutral and non-polar, at codon 238 of the KCNT1 protein (p.Val238Ile). This variant is present in population databases (rs760870883, gnomAD 0.004%). This variant has not been reported in the literature in individuals affected with KCNT1-related conditions. ClinVar contains an entry for this variant (Variation ID: 1446310). Invitae Evidence Modeling of protein sequence and biophysical properties (such as structural, functional, and spatial information, amino acid conservation, physicochemical variation, residue mobility, and thermodynamic stability) indicates that this missense variant is not expected to disrupt KCNT1 protein function with a negative predictive value of 80%. In summary, the available evidence is currently insufficient to determine the role of this variant in disease. Therefore, it has been classified as a Variant of Uncertain Significance.

NM_020822.3(KCNT1):c.712G>A (p.Val238Ile)

Gene: KCNT1 (potassium sodium-activated channel subfamily T member 1; plus strand). Cytogenetic location: 9q34.3.
Variant type: single nucleotide variant.
Coding change: c.712G>A on transcript NM_020822.3 (MANE Select); coding-DNA position 712, G replaced by A.
Protein change: p.Val238Ile; replaces valine 238 with isoleucine.
Molecular consequence: missense variant.
Genome position (GRCh38, 1-based): chr9:135,757,334, G>A. VCF-style: chr9-135757334-G-A. GRCh37 (hg19) VCF-style: chr9-138649180-G-A.
Other names: c.712G>A (NM_020822.2); c.568G>A, p.Val190Ile (NM_001272003.2); short protein forms V190I, V238I.
Identifiers: ClinVar variation 1446310 (VCV001446310.7), dbSNP rs760870883, ClinGen allele CA5326604.
Genomic context (GRCh38, chr9:135,757,334, plus strand): 5'-AGCCCTGACCTGTCCCCTTCACAGATCTTCTGGCCGCCGCTGCGGAACCTGTTCATCCCC[G>A]TCTTTCTGAACTGCTGGCTGGCCAAGCACGCGCTGGAAAACATGATTGTAAGCCGGGGCG-3'
Protein context (NP_065873.2, residues 228-248): WPPLRNLFIP[Val238Ile]FLNCWLAKHA